The following is an entry in ClinVar:

ClinVar aggregate classification (germline): Likely benign. Review status: criteria provided, single submitter (1 of 4 stars). 2 submissions from 2 submitters: Likely benign (1). 1 of the submissions does not count toward it. Last evaluated 2025-05-30.

Conditions:
MAST1-related disorder. Also called: MAST1-related condition.

Allele frequency attached by ClinVar (database versions not stated): ESP Exome Variant Server 0.00008; gnomAD 0.00017; TOPMed 0.00018; ExAC 0.00027; gnomAD exomes 0.00031.
gnomAD v4.1: 467 of 1,606,836 alleles (0.029%); highest among the groups gnomAD compares: Non-Finnish European, 0.038%; no homozygotes.

Submissions (2):

Labcorp Genetics (formerly Invitae), Labcorp
Classification: Likely benign. Last evaluated: 2025-05-30. Review status: criteria provided, single submitter. Criteria: Invitae Variant Classification Sherloc (09022015). Collection method: clinical testing. Allele origin: germline.

PreventionGenetics, part of Exact Sciences
Classification: Likely benign for MAST1-related condition. Last evaluated: 2019-06-07. Review status: no assertion criteria provided. Collection method: clinical testing. Allele origin: germline. Not counted in ClinVar's aggregate classification.
Comment: This variant is classified as likely benign based on ACMG/AMP sequence variant interpretation guidelines (Richards et al. 2015 PMID: 25741868, with internal and published modifications).

NM_014975.3(MAST1):c.2448G>A (p.Glu816=)

Genes: MAST1 (microtubule associated serine/threonine kinase 1; plus strand), LOC112543452 (Sharpr-MPRA regulatory region 6054; plus strand). Cytogenetic location: 19p13.13.
Variant type: single nucleotide variant.
Coding change: c.2448G>A on transcript NM_014975.3 (MANE Select); coding-DNA position 2448, G replaced by A.
Protein change: p.Glu816=; no amino-acid change (glutamic acid 816 retained).
Molecular consequence: synonymous variant.
Genome position (GRCh38, 1-based): chr19:12,867,859, G>A. VCF-style: chr19-12867859-G-A. GRCh37 (hg19) VCF-style: chr19-12978673-G-A.
Other names: c.2448G>A (NM_014975.2).
Identifiers: ClinVar variation 2065133 (VCV002065133.6), dbSNP rs199760021, ClinGen allele CA9233147.